The following is an entry in ClinVar:

NM_198253.3(TERT):c.146C>G (p.Ala49Gly)

Genes: TERT (telomerase reverse transcriptase; minus strand), LOC110806263 (TERT 5' regulatory region; plus strand). Cytogenetic location: 5p15.33.
Variant type: single nucleotide variant.
Coding change: c.146C>G on transcript NM_198253.3 (MANE Select); coding-DNA position 146, C replaced by G.
Protein change: p.Ala49Gly; replaces alanine 49 with glycine.
Molecular consequence: missense variant. On other transcripts: non-coding transcript variant (2).
Genome position (GRCh38, 1-based): chr5:1,294,844, G>C on the plus strand (C>G on the coding strand, the complement: TERT is on the minus strand). VCF-style: chr5-1294844-G-C. GRCh37 (hg19) VCF-style: chr5-1294959-G-C.
Other names: c.146C>G (NM_198253.2); c.146C>G, p.Ala49Gly (NM_001193376.3); short protein forms A49G.
Identifiers: ClinVar variation 1434016 (VCV001434016.9), dbSNP rs1060503013, ClinGen allele CA359059056.

ClinVar aggregate classification (germline): Uncertain significance. Review status: criteria provided, multiple submitters, no conflicts (2 of 4 stars). 2 submissions from 2 submitters: Uncertain significance (2). Last evaluated 2025-12-03.

Conditions:
Dyskeratosis congenita, autosomal dominant 2. Identifiers: MedGen C3151443, MONDO:0013521, OMIM 613989.
Idiopathic Pulmonary Fibrosis. Also called: Idiopathic fibrosing alveolitis, chronic form; idiopathic fibrosing alveolitis. Identifiers: Orphanet 2032, MedGen C1800706, MeSH D054990, MONDO:0800504.
Dyskeratosis congenita. Identifiers: Orphanet 1775, MedGen C0265965, MONDO:0015780.

Allele frequency attached by ClinVar (database versions not stated): gnomAD exomes 0.00002.
gnomAD v4.1: 2 of 1,460,184 alleles (0.00014%); highest among the groups gnomAD compares: Admixed American, 0.0026%; no homozygotes.

Submissions (2):

Labcorp Genetics (formerly Invitae), Labcorp
Classification: Uncertain significance for Dyskeratosis congenita, autosomal dominant 2; Idiopathic Pulmonary Fibrosis. Last evaluated: 2025-12-03. Review status: criteria provided, single submitter. Criteria: Invitae Variant Classification Sherloc (09022015). Collection method: clinical testing. Allele origin: germline.
Comment: This sequence change replaces alanine, which is neutral and non-polar, with glycine, which is neutral and non-polar, at codon 49 of the TERT protein (p.Ala49Gly). This variant is present in population databases (no rsID available, gnomAD 0.009%). This variant has not been reported in the literature in individuals affected with TERT-related conditions. ClinVar contains an entry for this variant (Variation ID: 1434016). Invitae Evidence Modeling of protein sequence and biophysical properties (such as structural, functional, and spatial information, amino acid conservation, physicochemical variation, residue mobility, and thermodynamic stability) indicates that this missense variant is expected to disrupt TERT protein function with a positive predictive value of 95%. In summary, the available evidence is currently insufficient to determine the role of this variant in disease. Therefore, it has been classified as a Variant of Uncertain Significance.

Ambry Genetics
Classification: Uncertain significance for Dyskeratosis congenita. Last evaluated: 2023-10-15. Review status: criteria provided, single submitter. Criteria: Ambry Variant Classification Scheme 2023. Collection method: clinical testing. Allele origin: germline.
Comment: The p.A49G variant (also known as c.146C>G), located in coding exon 1 of the TERT gene, results from a C to G substitution at nucleotide position 146. The alanine at codon 49 is replaced by glycine, an amino acid with similar properties. This amino acid position is conserved. In addition, this alteration is predicted to be tolerated by in silico analysis. Since supporting evidence is limited at this time, the clinical significance of this alteration remains unclear.